The following is an entry in ClinVar:

NM_024422.6(DSC2):c.1538A>G (p.Asp513Gly)

Gene: DSC2 (desmocollin 2; minus strand). Cytogenetic location: 18q12.1.
Variant type: single nucleotide variant.
Coding change: c.1538A>G on transcript NM_024422.6 (MANE Select); coding-DNA position 1538, A replaced by G.
Protein change: p.Asp513Gly; replaces aspartic acid 513 with glycine.
Molecular consequence: missense variant.
Genome position (GRCh38, 1-based): chr18:31,079,972, T>C on the plus strand (A>G on the coding strand, the complement: DSC2 is on the minus strand). VCF-style: chr18-31079972-T-C. GRCh37 (hg19) VCF-style: chr18-28659938-T-C.
Other names: c.1109A>G, p.Asp370Gly (NM_001406506.1, NM_001406507.1); c.1538A>G, p.Asp513Gly (NM_004949.5); short protein forms D370G, D513G.
Identifiers: ClinVar variation 3070909 (VCV003070909.1), dbSNP rs777198363, ClinGen allele CA031815.

ClinVar aggregate classification (germline): Uncertain significance (1 of 4 stars; one submission).

Conditions:
Familial isolated arrhythmogenic right ventricular dysplasia. Identifiers: Orphanet 217656, MedGen C4274968, MONDO:0016342.

Allele frequency attached by ClinVar (database versions not stated): ExAC 0.00001; gnomAD exomes 0.00001; TOPMed 0.00001.
gnomAD v4.1: 7 of 1,613,944 alleles (0.00043%); highest among the groups gnomAD compares: East Asian, 0.0089%; no homozygotes.

Submission:

All of Us Research Program, National Institutes of Health
Classification: Uncertain significance for Familial isolated arrhythmogenic right ventricular dysplasia. Last evaluated: 2023-09-17. Review status: criteria provided, single submitter. Criteria: ACMG Guidelines, 2015. Collection method: clinical testing. Allele origin: germline. Inheritance: Autosomal dominant inheritance. Observed: 2 variant alleles, 2 heterozygotes.
Comment: This missense variant replaces aspartic acid with glycine at codon 513 of the DSC2 protein. Computational prediction suggests that this variant may not impact protein structure and function (internally defined REVEL score threshold <= 0.5, PMID: 27666373). To our knowledge, functional studies have not been reported for this variant. This variant has not been reported in individuals affected with DSC2-related disorders in the literature. This variant has been identified in 1/251050 chromosomes in the general population by the Genome Aggregation Database (gnomAD). The available evidence is insufficient to determine the role of this variant in disease conclusively. Therefore, this variant is classified as a Variant of Uncertain Significance.

This study involves interpretation of variants in research participants for the purpose of population health screening. Participant phenotype was not available at the time of variant classification. Additional details can be found in publication PMID: 35346344, PMCID: PMC8962531